The following is an entry in ClinVar:

ClinVar aggregate classification (germline): Uncertain significance (1 of 4 stars; one submission).

Allele frequency attached by ClinVar (database versions not stated): gnomAD 0.00003 and 0.00004; gnomAD exomes 0.00003; ExAC 0.00011.

Submission:

Labcorp Genetics (formerly Invitae), Labcorp
Classification: Uncertain significance. Last evaluated: 2025-12-22. Review status: criteria provided, single submitter. Criteria: Invitae Variant Classification Sherloc (09022015). Collection method: clinical testing. Allele origin: germline.
Comment: This sequence change replaces methionine, which is neutral and non-polar, with valine, which is neutral and non-polar, at codon 134 of the FOXI3 protein (p.Met134Val). This variant is present in population databases (rs751117545, gnomAD 0.009%). This variant has not been reported in the literature in individuals affected with FOXI3-related conditions. ClinVar contains an entry for this variant (Variation ID: 1063267). Experimental studies and prediction algorithms are not available or were not evaluated, and the functional significance of this variant is currently unknown. In summary, the available evidence is currently insufficient to determine the role of this variant in disease. Therefore, it has been classified as a Variant of Uncertain Significance.

NM_001135649.3(FOXI3):c.400A>G (p.Met134Val)

Gene: FOXI3 (forkhead box I3; minus strand). Cytogenetic location: 2p11.2.
Variant type: single nucleotide variant.
Coding change: c.400A>G on transcript NM_001135649.3 (MANE Select); coding-DNA position 400, A replaced by G.
Protein change: p.Met134Val; replaces methionine 134 with valine.
Molecular consequence: missense variant.
Genome position (GRCh38, 1-based): chr2:88,452,136, T>C on the plus strand (A>G on the coding strand, the complement: FOXI3 is on the minus strand). VCF-style: chr2-88452136-T-C. GRCh37 (hg19) VCF-style: chr2-88751655-T-C.
Other names: short protein forms M134V.
Identifiers: ClinVar variation 1063267 (VCV001063267.7), dbSNP rs751117545, ClinGen allele CA1754045.